The following is an entry in ClinVar:

NM_000051.4(ATM):c.2783T>C (p.Leu928Ser)

Gene: ATM (ATM serine/threonine kinase; plus strand). Cytogenetic location: 11q22.3.
Variant type: single nucleotide variant.
Coding change: c.2783T>C on transcript NM_000051.4 (MANE Select); coding-DNA position 2783, T replaced by C.
Protein change: p.Leu928Ser; replaces leucine 928 with serine.
Molecular consequence: missense variant.
Genome position (GRCh38, 1-based): chr11:108,268,554, T>C. VCF-style: chr11-108268554-T-C. GRCh37 (hg19) VCF-style: chr11-108139281-T-C.
Other names: c.2783T>C, p.Leu928Ser (NM_001351834.2); short protein forms L928S.
Identifiers: ClinVar variation 849722 (VCV000849722.9), dbSNP rs2081392000, ClinGen allele CA382545574.

ClinVar aggregate classification (germline): Uncertain significance (1 of 4 stars; one submission).

Conditions:
Ataxia-telangiectasia syndrome (AT). Also called: Ataxia-telangiectasia, complementation group E; Cerebello-oculocutaneous telangiectasia; Immunodeficiency with ataxia telangiectasia; Ataxia-telangiectasia, complementation group D; AT, COMPLEMENTATION GROUP C; Ataxia-telangiectasia. Identifiers: Orphanet 100, MedGen C0004135, MONDO:0008840, OMIM 208900.

Submission:

Labcorp Genetics (formerly Invitae), Labcorp
Classification: Uncertain significance for Ataxia-telangiectasia syndrome. Last evaluated: 2019-05-20. Review status: criteria provided, single submitter. Criteria: Invitae Variant Classification Sherloc (09022015). Collection method: clinical testing. Allele origin: germline.
Comment: In summary, the available evidence is currently insufficient to determine the role of this variant in disease. Therefore, it has been classified as a Variant of Uncertain Significance. Algorithms developed to predict the effect of missense changes on protein structure and function are either unavailable or do not agree on the potential impact of this missense change (SIFT: "Deleterious"; PolyPhen-2: "Probably Damaging"; Align-GVGD: "Class C15"). This sequence change replaces leucine with serine at codon 928 of the ATM protein (p.Leu928Ser). The leucine residue is moderately conserved and there is a large physicochemical difference between leucine and serine. This variant is not present in population databases (ExAC no frequency). This variant has not been reported in the literature in individuals with ATM-related conditions.